The following is an entry in ClinVar:

ClinVar aggregate classification (germline): Likely benign. Review status: criteria provided, multiple submitters, no conflicts (2 of 4 stars). 2 submissions from 2 submitters: Likely benign (2). Last evaluated 2026-03-01.

Allele frequency attached by ClinVar (database versions not stated): TOPMed 0.00001.
gnomAD v4.1: 12 of 1,613,758 alleles (0.00074%); highest among the groups gnomAD compares: East Asian, 0.013%; no homozygotes.

Submissions (2):

CeGaT Center for Human Genetics Tuebingen
Classification: Likely benign. Last evaluated: 2026-03-01. Review status: criteria provided, single submitter. Criteria: CeGaT Center For Human Genetics Tuebingen Variant Classification Criteria Version 2. Collection method: clinical testing. Allele origin: germline. Affected: yes. Observed: 1 variant allele.
Comment: ITPR1: BP4, BP7

Labcorp Genetics (formerly Invitae), Labcorp
Classification: Likely benign. Last evaluated: 2019-12-31. Review status: criteria provided, single submitter. Criteria: Invitae Variant Classification Sherloc (09022015). Collection method: clinical testing. Allele origin: germline.

NM_001378452.1(ITPR1):c.5277G>C (p.Ser1759=)

Gene: ITPR1 (inositol 1,4,5-trisphosphate receptor type 1; plus strand). Cytogenetic location: 3p26.1.
Variant type: single nucleotide variant.
Coding change: c.5277G>C on transcript NM_001378452.1 (MANE Select); coding-DNA position 5277, G replaced by C.
Protein change: p.Ser1759=; no amino-acid change (serine 1759 retained).
Molecular consequence: synonymous variant.
Genome position (GRCh38, 1-based): chr3:4,733,144, G>C. VCF-style: chr3-4733144-G-C. GRCh37 (hg19) VCF-style: chr3-4774828-G-C.
Other names: c.5133G>C, p.Ser1711= (NM_001099952.4); c.5232G>C, p.Ser1744= (NM_001168272.2); c.5088G>C, p.Ser1696= (NM_002222.7).
Identifiers: ClinVar variation 728650 (VCV000728650.12), dbSNP rs368425885, ClinGen allele CA432308442.
Genomic context (GRCh38, chr3:4,733,144, plus strand): 5'-TAAGGGTGAGGCGCTCAGGCAAGTTCTGGTCAACCGTTACTATGGAAACGTCAGACCTTC[G>C]GGACGAAGAGAGAGCCTTACCAGCTTTGGCAATGGCCCACTGTCAGCAGGAGGACCCGGC-3'
Protein context (NP_001365381.1, residues 1749-1769): VNRYYGNVRP[Ser1759=]GRRESLTSFG